The following is an entry in ClinVar:

ClinVar aggregate classification (germline): Uncertain significance (1 of 4 stars; one submission).

Conditions:
Hyperphosphatasia with impaired intellectual development syndrome 2. Also called: GLYCOSYLPHOSPHATIDYLINOSITOL BIOSYNTHESIS DEFECT 6; Hyperphosphatasia with intellectual disability syndrome 2. Identifiers: Orphanet 247262, MedGen C3553637, MONDO:0013882, OMIM 614749.

Allele frequency attached by ClinVar (database versions not stated): gnomAD 0.00004 and 0.00003; gnomAD exomes 0.00006 and 0.00012; TOPMed 0.00007; ExAC 0.00008.

Submission:

Labcorp Genetics (formerly Invitae), Labcorp
Classification: Uncertain significance for Hyperphosphatasia with impaired intellectual development syndrome 2. Last evaluated: 2022-07-19. Review status: criteria provided, single submitter. Criteria: Invitae Variant Classification Sherloc (09022015). Collection method: clinical testing. Allele origin: germline.
Comment: This sequence change replaces serine, which is neutral and polar, with threonine, which is neutral and polar, at codon 221 of the PIGO protein (p.Ser221Thr). This variant is present in population databases (rs754088095, gnomAD 0.1%). This variant has not been reported in the literature in individuals affected with PIGO-related conditions. ClinVar contains an entry for this variant (Variation ID: 473234). Algorithms developed to predict the effect of missense changes on protein structure and function (SIFT, PolyPhen-2, Align-GVGD) all suggest that this variant is likely to be tolerated. Algorithms developed to predict the effect of sequence changes on RNA splicing suggest that this variant may disrupt the consensus splice site. In summary, the available evidence is currently insufficient to determine the role of this variant in disease. Therefore, it has been classified as a Variant of Uncertain Significance.

NM_032634.4(PIGO):c.662G>C (p.Ser221Thr)

Gene: PIGO (phosphatidylinositol glycan anchor biosynthesis class O; minus strand). Cytogenetic location: 9p13.3.
Variant type: single nucleotide variant.
Coding change: c.662G>C on transcript NM_032634.4 (MANE Select); coding-DNA position 662, G replaced by C.
Protein change: p.Ser221Thr; replaces serine 221 with threonine.
Molecular consequence: missense variant.
Genome position (GRCh38, 1-based): chr9:35,094,018, C>G on the plus strand (G>C on the coding strand, the complement: PIGO is on the minus strand). VCF-style: chr9-35094018-C-G. GRCh37 (hg19) VCF-style: chr9-35094015-C-G.
Other names: c.662G>C, p.Ser221Thr (NM_001201484.2, NM_152850.4); short protein forms S221T.
Identifiers: ClinVar variation 473234 (VCV000473234.7), dbSNP rs754088095, ClinGen allele CA5040869.